The following is an entry in ClinVar:

NC_000008.10:g.(?_65527563)_(65527809_?)del

Gene: CYP7B1 (cytochrome P450 family 7 subfamily B member 1; minus strand). Cytogenetic location: 8q12.3.
Variant type: Deletion.
Identifiers: ClinVar variation 3245413 (VCV003245413.1).

ClinVar aggregate classification (germline): Pathogenic (1 of 4 stars; one submission).

Conditions:
Spastic paraplegia. Identifiers: MedGen C0037772, HP:0001258.

Submission:

Labcorp Genetics (formerly Invitae), Labcorp
Classification: Pathogenic for Spastic paraplegia. Last evaluated: 2023-12-29. Review status: criteria provided, single submitter. Criteria: Invitae Variant Classification Sherloc (09022015). Collection method: clinical testing. Allele origin: unknown.
Comment: This variant is a gross deletion of the genomic region encompassing exon(s) 4 of the CYP7B1 gene. This variant would be expected to be in-frame, preserving the integrity of the reading frame. This variant has not been reported in the literature in individuals affected with CYP7B1-related conditions. This variant disrupts a region of the CYP7B1 protein in which other variant(s) (p.Glu321Lys) have been determined to be pathogenic (PMID: 29126212). This suggests that this is a clinically significant region of the protein, and that variants that disrupt it are likely to be disease-causing. For these reasons, this variant has been classified as Pathogenic.

Literature cited by the submitters: PubMed 29126212.